The following is an entry in ClinVar:

ClinVar aggregate classification (germline): Benign/Likely benign. Review status: criteria provided, multiple submitters, no conflicts (2 of 4 stars). 3 submissions from 3 submitters: Benign (2); Likely benign (1). Last evaluated 2023-01-01.

Allele frequency attached by ClinVar (database versions not stated): 1000 Genomes Project 0.00260; 1000 Genomes Project 30x 0.00312; TOPMed 0.00455; ESP Exome Variant Server 0.00515; gnomAD 0.00606 and 0.00644; ExAC 0.00672.
gnomAD v4.1: 12,307 of 1,605,110 alleles (0.77%); highest among the groups gnomAD compares: Non-Finnish European, 0.85%; 70 homozygotes.

Submissions (3):

CeGaT Center for Human Genetics Tuebingen
Classification: Likely benign. Last evaluated: 2023-01-01. Review status: criteria provided, single submitter. Criteria: CeGaT Center For Human Genetics Tuebingen Variant Classification Criteria Version 2. Collection method: clinical testing. Allele origin: germline. Affected: yes. Observed: 1 variant allele.
Comment: HDAC7: BP4, BP7, BS2

Labcorp Genetics (formerly Invitae), Labcorp
Classification: Benign. Last evaluated: 2017-09-28. Review status: criteria provided, single submitter. Criteria: Invitae Variant Classification Sherloc (09022015). Collection method: clinical testing. Allele origin: germline.

Breakthrough Genomics
Classification: Benign. Review status: criteria provided, single submitter. Criteria: ACMG Guidelines, 2015. Collection method: not provided. Allele origin: germline. Inheritance: Unknown mechanism. Affected: yes.

NM_015401.5(HDAC7):c.603C>T (p.Arg201=)

Gene: HDAC7 (histone deacetylase 7; minus strand). Cytogenetic location: 12q13.11.
Variant type: single nucleotide variant.
Coding change: c.603C>T on transcript NM_015401.5 (MANE Select); coding-DNA position 603, C replaced by T.
Protein change: p.Arg201=; no amino-acid change (arginine 201 retained).
Molecular consequence: synonymous variant. On other transcripts: non-coding transcript variant (2).
Genome position (GRCh38, 1-based): chr12:47,797,117, G>A on the plus strand (C>T on the coding strand, the complement: HDAC7 is on the minus strand). VCF-style: chr12-47797117-G-A. GRCh37 (hg19) VCF-style: chr12-48190900-G-A.
Other names: c.603C>T, p.Arg201= (NM_001098416.4); c.552C>T, p.Arg184= (NM_001308090.2); c.645C>T, p.Arg215= (NM_001368046.1).
Identifiers: ClinVar variation 773544 (VCV000773544.28), dbSNP rs61754652, ClinGen allele CA6533480.
Genomic context (GRCh38, chr12:47,797,117, plus strand): 5'-CGCACTCTCCTTTCGGAGCAGTGGATTCTTCCTCCGCTCCAGGGACTTCTTGGGCTTATA[G>A]CGCAGCTTCAGGTTGGGCTCAGAGACTGCAGGGAGCACCAGCGTCACTCAGGCCCCCACC-3'
Protein context (NP_056216.2, residues 191-211): KTVSEPNLKL[Arg201=]YKPKKSLERR